The following is an entry in ClinVar:

NM_012301.4(MAGI2):c.3032-80A>G

Gene: MAGI2 (membrane associated guanylate kinase, WW and PDZ domain containing 2; minus strand). Cytogenetic location: 7q21.11.
Variant type: single nucleotide variant.
Coding change: c.3032-80A>G on transcript NM_012301.4 (MANE Select); 80 bases into the intron before coding-DNA position 3032, A replaced by G.
Molecular consequence: intron variant.
Genome position (GRCh38, 1-based): chr7:78,133,140, T>C on the plus strand (A>G on the coding strand, the complement: MAGI2 is on the minus strand). VCF-style: chr7-78133140-T-C. GRCh37 (hg19) VCF-style: chr7-77762457-T-C.
Other names: c.2990-80A>G (NM_001301128.2).
Identifiers: ClinVar variation 1243013 (VCV001243013.5), dbSNP rs2072155, ClinGen allele CA12603922.

ClinVar aggregate classification (germline): Benign. Review status: criteria provided, multiple submitters, no conflicts (2 of 4 stars). 3 submissions from 3 submitters: Benign (3). Last evaluated 2024-07-15.

Allele frequency attached by ClinVar (database versions not stated): 1000 Genomes Project 0.71526; 1000 Genomes Project 30x 0.71846; TOPMed 0.73365; gnomAD 0.74093 and 0.74658.
gnomAD v4.1: 844,935 of 1,201,822 alleles (70%); highest among the groups gnomAD compares: African/African-American, 88%; 298,900 homozygotes.

Submissions (3):

Unidad de Genómica Garrahan, Hospital de Pediatría Garrahan
Classification: Benign. Last evaluated: 2024-07-15. Review status: criteria provided, single submitter. Criteria: ACMG Guidelines, 2015. Collection method: clinical testing. Allele origin: germline. Affected: no. Observed: 75 variant alleles.
Comment: This variant is classified as Benign based on local population frequency. This variant was detected in 81% of patients studied in a panel designed for Epileptic and Developmental Encephalopathy and Progressive Myoclonus Epilepsy. Number of patients: 75. Only high quality variants are reported.

GeneDx
Classification: Benign. Last evaluated: 2019-08-20. Review status: criteria provided, single submitter. Criteria: GeneDx Variant Classification Process June 2021. Collection method: clinical testing. Allele origin: germline. Affected: yes.

Breakthrough Genomics
Classification: Benign. Review status: criteria provided, single submitter. Criteria: ACMG Guidelines, 2015. Collection method: not provided. Allele origin: germline. Inheritance: Autosomal recessive inheritance. Affected: yes.